The following is an entry in ClinVar:

NM_001365536.1(SCN9A):c.5906A>G (p.Tyr1969Cys)

Genes: SCN9A (sodium voltage-gated channel alpha subunit 9; minus strand), SCN1A-AS1 (SCN1A and SCN9A antisense RNA 1; plus strand). Cytogenetic location: 2q24.3.
Variant type: single nucleotide variant.
Coding change: c.5906A>G on transcript NM_001365536.1 (MANE Select); coding-DNA position 5906, A replaced by G.
Protein change: p.Tyr1969Cys; replaces tyrosine 1969 with cysteine.
Molecular consequence: missense variant.
Genome position (GRCh38, 1-based): chr2:166,198,733, T>C on the plus strand (A>G on the coding strand, the complement: SCN9A is on the minus strand). VCF-style: chr2-166198733-T-C. GRCh37 (hg19) VCF-style: chr2-167055243-T-C.
Other names: c.5873A>G, p.Tyr1958Cys (NM_002977.4); short protein forms Y1969C, Y1958C.
Identifiers: ClinVar variation 1378266 (VCV001378266.8), dbSNP rs761742207, ClinGen allele CA1943599.

ClinVar aggregate classification (germline): Uncertain significance (1 of 4 stars; one submission).

Conditions:
Generalized epilepsy with febrile seizures plus, type 7 (GEFSP7). Also called: GEFS+, TYPE 7. Identifiers: Orphanet 36387, MedGen C2751778, MONDO:0013470, OMIM 613863.
Neuropathy, hereditary sensory and autonomic, type 2A (HSAN2A). Also called: NEUROPATHY, CONGENITAL SENSORY; NEUROPATHY, HEREDITARY SENSORY RADICULAR, AUTOSOMAL RECESSIVE; NEUROPATHY, HEREDITARY SENSORY, TYPE IIA; NEUROPATHY, PROGRESSIVE SENSORY, OF CHILDREN; HSAN IIA; MORVAN DISEASE. Identifiers: Orphanet 970, MedGen C2752089, MONDO:0024309, OMIM 201300.

Allele frequency attached by ClinVar (database versions not stated): gnomAD exomes below 0.00001 and 0.00001; TOPMed below 0.00001; ExAC 0.00001; gnomAD 0.00001.
gnomAD v4.1: 3 of 1,613,406 alleles (0.00019%); highest among the groups gnomAD compares: Admixed American, 0.005%; no homozygotes.

Submission:

Labcorp Genetics (formerly Invitae), Labcorp
Classification: Uncertain significance for Neuropathy, hereditary sensory and autonomic, type 2A; Generalized epilepsy with febrile seizures plus, type 7. Last evaluated: 2024-05-06. Review status: criteria provided, single submitter. Criteria: Invitae Variant Classification Sherloc (09022015). Collection method: clinical testing. Allele origin: germline.
Comment: This sequence change replaces tyrosine, which is neutral and polar, with cysteine, which is neutral and slightly polar, at codon 1958 of the SCN9A protein (p.Tyr1958Cys). This variant is present in population databases (rs761742207, gnomAD 0.006%). This missense change has been observed in individual(s) with SCN9A-related conditions (PMID: 32062735). It has also been observed to segregate with disease in related individuals. ClinVar contains an entry for this variant (Variation ID: 1378266). Advanced modeling of protein sequence and biophysical properties (such as structural, functional, and spatial information, amino acid conservation, physicochemical variation, residue mobility, and thermodynamic stability) has been performed at Invitae for this missense variant, however the output from this modeling did not meet the statistical confidence thresholds required to predict the impact of this variant on SCN9A protein function. In summary, the available evidence is currently insufficient to determine the role of this variant in disease. Therefore, it has been classified as a Variant of Uncertain Significance.

Literature cited by the submitters: PubMed 32062735.